The following is an entry in ClinVar:

ClinVar aggregate classification (germline): Conflicting classifications of pathogenicity. Review status: criteria provided, conflicting classifications (1 of 4 stars). 2 submissions from 2 submitters: Uncertain significance (1); Likely benign (1). Last evaluated 2024-09-20.

Conditions:
Congenital myasthenic syndrome 8. Also called: Myasthenic syndrome, congenital, 8, with pre- and postsynaptic defects; MYASTHENIC SYNDROME, CONGENITAL, DUE TO AGRIN DEFICIENCY. Identifiers: Orphanet 590, MedGen C3808739, MONDO:0014052, OMIM 615120.

Allele frequency attached by ClinVar (database versions not stated): gnomAD 0.00001; gnomAD exomes 0.00002 and 0.00003; TOPMed 0.00002; ExAC 0.00003.
gnomAD v4.1: 31 of 1,608,264 alleles (0.0019%); highest among the groups gnomAD compares: Admixed American, 0.0051%; no homozygotes.

Submissions (2):

3billion
Classification: Likely benign for Congenital myasthenic syndrome 8. Last evaluated: 2024-09-20. Review status: criteria provided, single submitter. Criteria: ACMG Guidelines, 2015. Collection method: clinical testing. Allele origin: germline. Affected: no.
Comment: The homozygous variant was found in patients diagnosed with another variant in a different gene, with no symptoms related to the gene containing the homozygous variant.

Labcorp Genetics (formerly Invitae), Labcorp
Classification: Uncertain significance for Congenital myasthenic syndrome 8. Last evaluated: 2022-08-15. Review status: criteria provided, single submitter. Criteria: Invitae Variant Classification Sherloc (09022015). Collection method: clinical testing. Allele origin: germline.
Comment: In summary, the available evidence is currently insufficient to determine the role of this variant in disease. Therefore, it has been classified as a Variant of Uncertain Significance. Algorithms developed to predict the effect of missense changes on protein structure and function output the following: SIFT: "Tolerated"; PolyPhen-2: "Probably Damaging"; Align-GVGD: "Class C0". The methionine amino acid residue is found in multiple mammalian species, which suggests that this missense change does not adversely affect protein function. ClinVar contains an entry for this variant (Variation ID: 1014329). This variant has not been reported in the literature in individuals affected with AGRN-related conditions. The frequency data for this variant in the population databases is considered unreliable, as metrics indicate poor data quality at this position in the gnomAD database. This sequence change replaces threonine, which is neutral and polar, with methionine, which is neutral and non-polar, at codon 518 of the AGRN protein (p.Thr518Met).

NM_198576.4(AGRN):c.1553C>T (p.Thr518Met)

Gene: AGRN (agrin; plus strand). Cytogenetic location: 1p36.33.
Variant type: single nucleotide variant.
Coding change: c.1553C>T on transcript NM_198576.4 (MANE Select); coding-DNA position 1553, C replaced by T.
Protein change: p.Thr518Met; replaces threonine 518 with methionine.
Molecular consequence: missense variant.
Genome position (GRCh38, 1-based): chr1:1,043,407, C>T. VCF-style: chr1-1043407-C-T. GRCh37 (hg19) VCF-style: chr1-978787-C-T.
Other names: c.1553C>T, p.Thr518Met (NM_001305275.2); c.1238C>T, p.Thr413Met (NM_001364727.2); short protein forms T413M, T518M.
Identifiers: ClinVar variation 1014329 (VCV001014329.7), dbSNP rs746322262, ClinGen allele CA508222.